The following is an entry in ClinVar:

ClinVar aggregate classification (germline): Conflicting classifications of pathogenicity. Review status: criteria provided, conflicting classifications (1 of 4 stars). 7 submissions from 7 submitters: Uncertain significance (1); Benign (2); Likely benign (3). 1 of the submissions does not count toward it. Last evaluated 2026-05-01.

Conditions:
RAI1-related disorder. Also called: RAI1-related condition.
Inborn genetic diseases. Identifiers: MedGen C0950123, MeSH D030342.

Allele frequency attached by ClinVar (database versions not stated): ESP Exome Variant Server 0.00023; TOPMed 0.00031; 1000 Genomes Project 0.00060; 1000 Genomes Project 30x 0.00078; gnomAD 0.00097 and 0.00102; ExAC 0.00104; gnomAD exomes 0.00104.
gnomAD v4.1: 1,100 of 1,612,132 alleles (0.068%); highest among the groups gnomAD compares: South Asian, 0.062%; 3 homozygotes.

Submissions (7):

CeGaT Center for Human Genetics Tuebingen
Classification: Likely benign. Last evaluated: 2026-05-01. Review status: criteria provided, single submitter. Criteria: CeGaT Center For Human Genetics Tuebingen Variant Classification Criteria Version 2. Collection method: clinical testing. Allele origin: germline. Affected: yes. Observed: 8 variant alleles.
Comment: RAI1: BP4, BP7

Labcorp Genetics (formerly Invitae), Labcorp
Classification: Benign. Last evaluated: 2025-11-27. Review status: criteria provided, single submitter. Criteria: Invitae Variant Classification Sherloc (09022015). Collection method: clinical testing. Allele origin: germline.

Blueprint Genetics
Classification: Likely benign. Last evaluated: 2024-11-21. Review status: criteria provided, single submitter. Criteria: ACMG Guidelines, 2015. Collection method: clinical testing. Allele origin: germline.

GeneDx
Classification: Benign. Last evaluated: 2021-04-21. Review status: criteria provided, single submitter. Criteria: GeneDx Variant Classification Process June 2021. Collection method: clinical testing. Allele origin: germline. Affected: yes.

Ambry Genetics
Classification: Likely benign for Inborn genetic diseases. Last evaluated: 2017-03-30. Review status: criteria provided, single submitter. Criteria: Ambry Variant Classification Scheme 2023. Collection method: clinical testing. Allele origin: germline.

Genetic Services Laboratory, University of Chicago
Classification: Uncertain significance. Last evaluated: 2015-02-10. Review status: criteria provided, single submitter. Criteria: ACMG Guidelines, 2015. Collection method: clinical testing. Allele origin: germline.

PreventionGenetics, part of Exact Sciences
Classification: Benign for RAI1-related condition. Last evaluated: 2020-10-26. Review status: no assertion criteria provided. Collection method: clinical testing. Allele origin: germline. Not counted in ClinVar's aggregate classification.
Comment: This variant is classified as benign based on ACMG/AMP sequence variant interpretation guidelines (Richards et al. 2015 PMID: 25741868, with internal and published modifications).

NM_030665.4(RAI1):c.1524G>A (p.Thr508=)

Gene: RAI1 (retinoic acid induced 1; plus strand). Cytogenetic location: 17p11.2.
Variant type: single nucleotide variant.
Coding change: c.1524G>A on transcript NM_030665.4 (MANE Select); coding-DNA position 1524, G replaced by A.
Protein change: p.Thr508=; no amino-acid change (threonine 508 retained).
Molecular consequence: synonymous variant.
Genome position (GRCh38, 1-based): chr17:17,794,472, G>A. VCF-style: chr17-17794472-G-A. GRCh37 (hg19) VCF-style: chr17-17697786-G-A.
Identifiers: ClinVar variation 212000 (VCV000212000.44), dbSNP rs141826168, ClinGen allele CA208453.